The following is an entry in ClinVar:

ClinVar aggregate classification (germline): Likely benign (0 of 4 stars; one submission).

Conditions:
BNC2-related disorder. Also called: BNC2-related condition.

Allele frequency attached by ClinVar (database versions not stated): TOPMed 0.00002; gnomAD 0.00004; gnomAD exomes 0.00005; ExAC 0.00010; ESP Exome Variant Server 0.00015.
gnomAD v4.1: 79 of 1,613,452 alleles (0.0049%); highest among the groups gnomAD compares: Middle Eastern, 0.082%; no homozygotes.

Submission:

PreventionGenetics, part of Exact Sciences
Classification: Likely benign for BNC2-related condition. Last evaluated: 2019-07-11. Review status: no assertion criteria provided. Collection method: clinical testing. Allele origin: germline.
Comment: This variant is classified as likely benign based on ACMG/AMP sequence variant interpretation guidelines (Richards et al. 2015 PMID: 25741868, with internal and published modifications).

NM_017637.6(BNC2):c.669+10G>A

Gene: BNC2 (basonuclin zinc finger protein 2; minus strand). Cytogenetic location: 9p22.3.
Variant type: single nucleotide variant.
Coding change: c.669+10G>A on transcript NM_017637.6 (MANE Select); 10 bases into the intron after coding-DNA position 669, G replaced by A.
Molecular consequence: intron variant.
Genome position (GRCh38, 1-based): chr9:16,552,520, C>T on the plus strand (G>A on the coding strand, the complement: BNC2 is on the minus strand). VCF-style: chr9-16552520-C-T. GRCh37 (hg19) VCF-style: chr9-16552518-C-T.
Other names: c.543+10G>A (NM_001317939.2); c.384+10G>A (NM_001317940.2).
Identifiers: ClinVar variation 3050605 (VCV003050605.2), dbSNP rs372862527, ClinGen allele CA4996211.